The following is an entry in ClinVar:

NM_080911.3(UNG):c.623-2A>G

Gene: UNG (uracil DNA glycosylase; plus strand). Cytogenetic location: 12q24.11.
Variant type: single nucleotide variant.
Coding change: c.623-2A>G on transcript NM_080911.3 (MANE Select); the canonical splice acceptor site of the intron before coding-DNA position 623, A replaced by G.
Molecular consequence: splice acceptor variant.
Genome position (GRCh38, 1-based): chr12:109,103,431, A>G. VCF-style: chr12-109103431-A-G. GRCh37 (hg19) VCF-style: chr12-109541236-A-G.
Other names: c.596-2A>G (NM_003362.4).
Identifiers: ClinVar variation 1508776 (VCV001508776.6), dbSNP rs2042193330, ClinGen allele CA386473341.
Genomic context (GRCh38, chr12:109,103,431, plus strand): 5'-TTGCTGGGTATTGGGCTGATTTGCCTGAGCCTACATTTAACCTGTTTCTCTCATGTGTAT[A>G]GGTGTTCTCCTTCTCAACGCTGTCCTCACGGTTCGTGCCCATCAAGCCAACTCTCATAAG-3'

ClinVar aggregate classification (germline): Likely pathogenic (1 of 4 stars; one submission).

Conditions:
Hyper-IgM syndrome type 5 (HIGM5). Also called: Hyper-IgM Immunodeficiency Syndrome, Type 5. Identifiers: Orphanet 101092, MedGen C1720958, MONDO:0011971, OMIM 608106.

Allele frequency attached by ClinVar (database versions not stated): TOPMed 0.00002.

Submission:

Labcorp Genetics (formerly Invitae), Labcorp
Classification: Likely pathogenic for Hyper-IgM syndrome type 5. Last evaluated: 2025-06-19. Review status: criteria provided, single submitter. Criteria: Invitae Variant Classification Sherloc (09022015). Collection method: clinical testing. Allele origin: germline.
Comment: This sequence change affects an acceptor splice site in intron 5 of the UNG gene. It is expected to disrupt RNA splicing. Variants that disrupt the donor or acceptor splice site typically lead to a loss of protein function (PMID: 16199547), and loss-of-function variants in UNG are known to be pathogenic (PMID: 12958596). This variant is not present in population databases (gnomAD no frequency). This variant has not been reported in the literature in individuals affected with UNG-related conditions. ClinVar contains an entry for this variant (Variation ID: 1508776). Algorithms developed to predict the effect of sequence changes on RNA splicing suggest that this variant may disrupt the consensus splice site. In summary, the currently available evidence indicates that the variant is pathogenic, but additional data are needed to prove that conclusively. Therefore, this variant has been classified as Likely Pathogenic.

Literature cited by the submitters: PubMed 16199547; PubMed 12958596.